The following is an entry in ClinVar:

ClinVar aggregate classification (germline): Conflicting classifications of pathogenicity. Review status: criteria provided, conflicting classifications (1 of 4 stars). 2 submissions from 2 submitters: Uncertain significance (1); Likely benign (1). Last evaluated 2025-12-24.

Conditions:
Hereditary hemorrhagic telangiectasia (HHT). Also called: ORW DISEASE; Osler Weber Rendu syndrome; OSLER-RENDU-WEBER DISEASE; Osler hemorrhagic telangiectasia syndrome. Identifiers: Orphanet 774, MedGen C0039445, MONDO:0019180. Disease mechanism: loss of function.

Allele frequency attached by ClinVar (database versions not stated): gnomAD 0.00006 and 0.00007; TOPMed 0.00008; gnomAD exomes 0.00011.
gnomAD v4.1: 159 of 1,486,002 alleles (0.011%); highest among the groups gnomAD compares: Non-Finnish European, 0.013%; no homozygotes.

Submissions (2):

Labcorp Genetics (formerly Invitae), Labcorp
Classification: Uncertain significance for Hereditary hemorrhagic telangiectasia. Last evaluated: 2025-12-24. Review status: criteria provided, single submitter. Criteria: Invitae Variant Classification Sherloc (09022015). Collection method: clinical testing. Allele origin: germline.
Comment: This variant occurs in a non-coding region of the ENG gene. It does not change the encoded amino acid sequence of the ENG protein. This variant is present in population databases (no rsID available, gnomAD 0.01%). This variant has not been reported in the literature in individuals affected with ENG-related conditions. ClinVar contains an entry for this variant (Variation ID: 1495200). Experimental studies and prediction algorithms are not available or were not evaluated, and the functional significance of this variant is currently unknown. In summary, the available evidence is currently insufficient to determine the role of this variant in disease. Therefore, it has been classified as a Variant of Uncertain Significance.

Blueprint Genetics
Classification: Likely benign. Last evaluated: 2023-08-24. Review status: criteria provided, single submitter. Criteria: ACMG Guidelines, 2015. Collection method: clinical testing. Allele origin: germline.

NM_001114753.3(ENG):c.-76C>T

Gene: ENG (endoglin; minus strand). Cytogenetic location: 9q34.11.
Variant type: single nucleotide variant.
Coding change: c.-76C>T on transcript NM_001114753.3 (MANE Select); 76 bases upstream of the start codon, C replaced by T.
Molecular consequence: 5 prime UTR variant.
Genome position (GRCh38, 1-based): chr9:127,854,431, G>A on the plus strand (C>T on the coding strand, the complement: ENG is on the minus strand). VCF-style: chr9-127854431-G-A. GRCh37 (hg19) VCF-style: chr9-130616710-G-A.
Other names: c.-76C>T (NM_000118.4, NM_001406715.1).
Identifiers: ClinVar variation 1495200 (VCV001495200.6), dbSNP rs943786398, ClinGen allele CA200326792.
Genomic context (GRCh38, chr9:127,854,431, plus strand): 5'-GCCTGTGCGCTGGGCCTTATCCTGTGTCCAGTGGCAGGGCTGCGGGCGGGCACCGGGGCC[G>A]GCGTGGGCTCGCACGGGGACCCGAGGGGAGCAGGCGGCCGGAGCGACGGCGTCCCTGCTC-3'